The following is an entry in ClinVar:

NM_004006.3(DMD):c.832-44T>A

Gene: DMD (dystrophin; minus strand). Cytogenetic location: Xp21.1.
Variant type: single nucleotide variant.
Coding change: c.832-44T>A on transcript NM_004006.3 (MANE Select); 44 bases into the intron before coding-DNA position 832, T replaced by A.
Molecular consequence: intron variant.
Genome position (GRCh38, 1-based): chrX:32,698,042, A>T on the plus strand (T>A on the coding strand, the complement: DMD is on the minus strand). VCF-style: chrX-32698042-A-T. GRCh37 (hg19) VCF-style: chrX-32716159-A-T.
Other names: c.808-44T>A (NM_000109.4); c.820-44T>A (NM_004009.3); c.463-44T>A (NM_004010.3).
Identifiers: ClinVar variation 676631 (VCV000676631.2), dbSNP rs72470516, ClinGen allele CA147863.

ClinVar aggregate classification (germline): Likely benign. Review status: criteria provided, multiple submitters, no conflicts (2 of 4 stars). 2 submissions from 2 submitters: Likely benign (2). Last evaluated 2018-06-18.

Allele frequency attached by ClinVar (database versions not stated): gnomAD exomes 0.00216; ExAC 0.00352; gnomAD 0.00800 and 0.00858; 1000 Genomes Project 0.00848; 1000 Genomes Project 30x 0.00874; ESP Exome Variant Server 0.00965; TOPMed 0.00991.
gnomAD v4.1: 1,992 of 1,153,558 alleles (0.17%); highest among the groups gnomAD compares: African/African-American, 2.8%; 22 homozygotes.

Submissions (2):

GeneDx
Classification: Likely benign. Last evaluated: 2018-06-18. Review status: criteria provided, single submitter. Criteria: GeneDx Variant Classification (06012015). Collection method: clinical testing. Allele origin: germline. Affected: yes.
Comment: This variant is considered likely benign or benign based on one or more of the following criteria: it is a conservative change, it occurs at a poorly conserved position in the protein, it is predicted to be benign by multiple in silico algorithms, and/or has population frequency not consistent with disease.

Breakthrough Genomics
Classification: Likely benign. Review status: criteria provided, single submitter. Criteria: ACMG Guidelines, 2015. Collection method: not provided. Allele origin: germline. Inheritance: X-linked inheritance. Affected: yes.